The following is an entry in ClinVar:

NM_018489.3(ASH1L):c.6151A>G (p.Ile2051Val)

Gene: ASH1L (ASH1 like histone lysine methyltransferase; minus strand). Cytogenetic location: 1q22.
Variant type: single nucleotide variant.
Coding change: c.6151A>G on transcript NM_018489.3 (MANE Select); coding-DNA position 6151, A replaced by G.
Protein change: p.Ile2051Val; replaces isoleucine 2051 with valine.
Molecular consequence: missense variant.
Genome position (GRCh38, 1-based): chr1:155,380,069, T>C on the plus strand (A>G on the coding strand, the complement: ASH1L is on the minus strand). VCF-style: chr1-155380069-T-C. GRCh37 (hg19) VCF-style: chr1-155349860-T-C.
Other names: c.6166A>G, p.Ile2056Val (NM_001366177.2); short protein forms I2051V, I2056V.
Identifiers: ClinVar variation 3766027 (VCV003766027.1).

ClinVar aggregate classification (germline): Uncertain significance (1 of 4 stars; one submission).

Submission:

GeneDx
Classification: Uncertain significance. Last evaluated: 2024-09-03. Review status: criteria provided, single submitter. Criteria: GeneDx Variant Classification Process June 2021. Collection method: clinical testing. Allele origin: germline. Affected: yes.
Comment: Not observed at significant frequency in large population cohorts (gnomAD); In silico analysis indicates that this missense variant does not alter protein structure/function; Has not been previously published as pathogenic or benign to our knowledge